The following is an entry in ClinVar:

NM_177550.5(SLC13A5):c.1333C>A (p.Pro445Thr)

Gene: SLC13A5 (solute carrier family 13 member 5; minus strand). Cytogenetic location: 17p13.1.
Variant type: single nucleotide variant.
Coding change: c.1333C>A on transcript NM_177550.5 (MANE Select); coding-DNA position 1333, C replaced by A.
Protein change: p.Pro445Thr; replaces proline 445 with threonine.
Molecular consequence: missense variant.
Genome position (GRCh38, 1-based): chr17:6,690,883, G>T on the plus strand (C>A on the coding strand, the complement: SLC13A5 is on the minus strand). VCF-style: chr17-6690883-G-T. GRCh37 (hg19) VCF-style: chr17-6594202-G-T.
Other names: c.1333C>A, p.Pro445Thr (NM_001143838.3); c.1282C>A, p.Pro428Thr (NM_001284509.2); c.1204C>A, p.Pro402Thr (NM_001284510.2); short protein forms P402T, P428T, P445T.
Identifiers: ClinVar variation 1003998 (VCV001003998.12), dbSNP rs373587508, ClinGen allele CA8331415.
Genomic context (GRCh38, chr17:6,690,883, plus strand): 5'-TGCTTGTGCACTCAGTGAACACGGCAACGAGCAAGGACAAGATCAAGGTGATGGCTGCCG[G>T]GGGCACTGCGTGCAAGGGCTCCATCTGCTTCCCCATCCACACGGACAGCCCCGAGGCCTG-3'
Protein context (NP_808218.1, residues 435-455): KQMEPLHAVP[Pro445Thr]AAITLILSLL

ClinVar aggregate classification (germline): Uncertain significance. Review status: criteria provided, multiple submitters, no conflicts (2 of 4 stars). 3 submissions from 3 submitters: Uncertain significance (3). Last evaluated 2023-08-04.

Conditions:
Developmental and epileptic encephalopathy, 25 (DEE25). Also called: Developmental and epileptic encephalopathy 25, with amelogenesis imperfecta; Epileptic encephalopathy, early infantile, 25, with amelogenesis imperfecta; Epileptic encephalopathy, early infantile, 25. Identifiers: Orphanet 442835, MedGen C4014621, MONDO:0014392, OMIM 615905.

Allele frequency attached by ClinVar (database versions not stated): gnomAD exomes below 0.00001 and 0.00004; TOPMed 0.00001; ExAC 0.00002; ESP Exome Variant Server 0.00008.
gnomAD v4.1: 63 of 1,614,072 alleles (0.0039%); highest among the groups gnomAD compares: Non-Finnish European, 0.0049%; no homozygotes.

Submissions (3):

Labcorp Genetics (formerly Invitae), Labcorp
Classification: Uncertain significance for Developmental and epileptic encephalopathy, 25. Last evaluated: 2023-08-04. Review status: criteria provided, single submitter. Criteria: Invitae Variant Classification Sherloc (09022015). Collection method: clinical testing. Allele origin: germline.
Comment: This variant has not been reported in the literature in individuals affected with SLC13A5-related conditions. This variant is present in population databases (rs373587508, gnomAD 0.002%). This sequence change replaces proline, which is neutral and non-polar, with threonine, which is neutral and polar, at codon 445 of the SLC13A5 protein (p.Pro445Thr). ClinVar contains an entry for this variant (Variation ID: 1003998). In summary, the available evidence is currently insufficient to determine the role of this variant in disease. Therefore, it has been classified as a Variant of Uncertain Significance. Advanced modeling of protein sequence and biophysical properties (such as structural, functional, and spatial information, amino acid conservation, physicochemical variation, residue mobility, and thermodynamic stability) performed at Invitae indicates that this missense variant is not expected to disrupt SLC13A5 protein function.

Genome-Nilou Lab
Classification: Uncertain significance for Developmental and epileptic encephalopathy, 25. Last evaluated: 2021-07-15. Review status: criteria provided, single submitter. Criteria: ACMG Guidelines, 2015. Collection method: clinical testing. Allele origin: germline. Affected: no.

GeneDx
Classification: Uncertain significance. Last evaluated: 2019-07-16. Review status: criteria provided, single submitter. Criteria: GeneDx Variant Classification Process June 2021. Collection method: clinical testing. Allele origin: germline. Affected: yes.
Comment: Not observed at a significant frequency in large population cohorts (Lek et al., 2016); In silico analysis, which includes protein predictors and evolutionary conservation, supports a deleterious effect; Has not been previously published as pathogenic or benign to our knowledge